The following is an entry in ClinVar:

ClinVar aggregate classification (germline): Uncertain significance (1 of 4 stars; one submission).

Conditions:
Congenital myasthenic syndrome 8. Also called: Myasthenic syndrome, congenital, 8, with pre- and postsynaptic defects; MYASTHENIC SYNDROME, CONGENITAL, DUE TO AGRIN DEFICIENCY. Identifiers: Orphanet 590, MedGen C3808739, MONDO:0014052, OMIM 615120.

Allele frequency attached by ClinVar (database versions not stated): ExAC 0.00001; gnomAD exomes 0.00001.
gnomAD v4.1: 31 of 1,613,942 alleles (0.0019%); highest among the groups gnomAD compares: Non-Finnish European, 0.0025%; no homozygotes.

Submission:

Labcorp Genetics (formerly Invitae), Labcorp
Classification: Uncertain significance for Congenital myasthenic syndrome 8. Last evaluated: 2022-07-26. Review status: criteria provided, single submitter. Criteria: Invitae Variant Classification Sherloc (09022015). Collection method: clinical testing. Allele origin: germline.
Comment: This variant is present in population databases (rs751639799, gnomAD 0.003%). This variant has not been reported in the literature in individuals affected with AGRN-related conditions. ClinVar contains an entry for this variant (Variation ID: 1463085). Algorithms developed to predict the effect of missense changes on protein structure and function output the following: SIFT: "Tolerated"; PolyPhen-2: "Benign"; Align-GVGD: "Class C0". The histidine amino acid residue is found in multiple mammalian species, which suggests that this missense change does not adversely affect protein function. In summary, the available evidence is currently insufficient to determine the role of this variant in disease. Therefore, it has been classified as a Variant of Uncertain Significance. This sequence change replaces arginine, which is basic and polar, with histidine, which is basic and polar, at codon 905 of the AGRN protein (p.Arg905His).

NM_198576.4(AGRN):c.2714G>A (p.Arg905His)

Gene: AGRN (agrin; plus strand). Cytogenetic location: 1p36.33.
Variant type: single nucleotide variant.
Coding change: c.2714G>A on transcript NM_198576.4 (MANE Select); coding-DNA position 2714, G replaced by A.
Protein change: p.Arg905His; replaces arginine 905 with histidine.
Molecular consequence: missense variant.
Genome position (GRCh38, 1-based): chr1:1,045,997, G>A. VCF-style: chr1-1045997-G-A. GRCh37 (hg19) VCF-style: chr1-981377-G-A.
Other names: c.2714G>A, p.Arg905His (NM_001305275.2); c.2399G>A, p.Arg800His (NM_001364727.2); short protein forms R800H, R905H.
Identifiers: ClinVar variation 1463085 (VCV001463085.6), dbSNP rs751639799, ClinGen allele CA508781.
Genomic context (GRCh38, chr1:1,045,997, plus strand): 5'-CAGAGGTTTCCCATGCCCGTGCCCCAGACGCTTCTGCGCCTGCGACCTGTGCGGAGATGC[G>A]CTGTGAGTTCGGTGCGCGGTGCGTGGAGGAGTCTGGCTCAGCCCACTGTGTCTGCCCGAT-3'
Protein context (NP_940978.2, residues 895-915): ASAPATCAEM[Arg905His]CEFGARCVEE